The following is an entry in ClinVar:

ClinVar aggregate classification (germline): Likely benign. Review status: criteria provided, multiple submitters, no conflicts (2 of 4 stars). 2 submissions from 2 submitters: Likely benign (2). Last evaluated 2025-07-21.

Conditions:
Epilepsy, childhood absence, susceptibility to, 1. Also called: Epilepsy, childhood absence 1. Identifiers: Orphanet 64280, MedGen C1838604, MONDO:0020759, OMIM 600131.
Epilepsy, childhood absence, susceptibility to, 5. Identifiers: Orphanet 64280, MedGen C2677087, MONDO:0012843, OMIM 612269.

Allele frequency attached by ClinVar (database versions not stated): TOPMed 0.00002; gnomAD exomes 0.00003; ExAC 0.00002; ESP Exome Variant Server 0.00008.
gnomAD v4.1: 36 of 1,613,958 alleles (0.0022%); highest among the groups gnomAD compares: South Asian, 0.0033%; no homozygotes.

Submissions (2):

Labcorp Genetics (formerly Invitae), Labcorp
Classification: Likely benign for Epilepsy, childhood absence, susceptibility to, 5; Epilepsy, childhood absence, susceptibility to, 1. Last evaluated: 2025-07-21. Review status: criteria provided, single submitter. Criteria: Invitae Variant Classification Sherloc (09022015). Collection method: clinical testing. Allele origin: germline.

GeneDx
Classification: Likely benign. Last evaluated: 2018-06-04. Review status: criteria provided, single submitter. Criteria: GeneDx Variant Classification (06012015). Collection method: clinical testing. Allele origin: germline. Affected: yes.
Comment: This variant is considered likely benign or benign based on one or more of the following criteria: it is a conservative change, it occurs at a poorly conserved position in the protein, it is predicted to be benign by multiple in silico algorithms, and/or has population frequency not consistent with disease.

NM_000814.6(GABRB3):c.321G>A (p.Thr107=)

Gene: GABRB3 (gamma-aminobutyric acid type A receptor subunit beta3; minus strand). Cytogenetic location: 15q12.
Variant type: single nucleotide variant.
Coding change: c.321G>A on transcript NM_000814.6 (MANE Select); coding-DNA position 321, G replaced by A.
Protein change: p.Thr107=; no amino-acid change (threonine 107 retained).
Molecular consequence: synonymous variant. On other transcripts: non-coding transcript variant (1).
Genome position (GRCh38, 1-based): chr15:26,621,454, C>T on the plus strand (G>A on the coding strand, the complement: GABRB3 is on the minus strand). VCF-style: chr15-26621454-C-T. GRCh37 (hg19) VCF-style: chr15-26866601-C-T.
Other names: c.66G>A, p.Thr22= (NM_001191320.2, NM_001278631.2); c.108G>A, p.Thr36= (NM_001191321.3); c.321G>A, p.Thr107= (NM_021912.5).
Identifiers: ClinVar variation 669052 (VCV000669052.9), dbSNP rs367761610, ClinGen allele CA7437466.